The following is an entry in ClinVar:

ClinVar aggregate classification (germline): Uncertain significance (1 of 4 stars; one submission).

Conditions:
EAST syndrome (SESAMES). Also called: SEIZURES, SENSORINEURAL DEAFNESS, ATAXIA, IMPAIRED INTELLECTUAL DEVELOPMENT, AND ELECTROLYTE IMBALANCE. Identifiers: Orphanet 199343, MedGen C2748572, MONDO:0013005, OMIM 612780.

gnomAD v4.1: 1 of 1,612,424 alleles (0.000062%); highest among the groups gnomAD compares: Non-Finnish European, 0.000085%; no homozygotes.

Submission:

Labcorp Genetics (formerly Invitae), Labcorp
Classification: Uncertain significance for EAST syndrome. Last evaluated: 2022-08-16. Review status: criteria provided, single submitter. Criteria: Invitae Variant Classification Sherloc (09022015). Collection method: clinical testing. Allele origin: germline.
Comment: In summary, the available evidence is currently insufficient to determine the role of this variant in disease. Therefore, it has been classified as a Variant of Uncertain Significance. Algorithms developed to predict the effect of missense changes on protein structure and function are either unavailable or do not agree on the potential impact of this missense change (SIFT: "Tolerated"; PolyPhen-2: "Possibly Damaging"; Align-GVGD: "Class C0"). ClinVar contains an entry for this variant (Variation ID: 1354640). This variant has not been reported in the literature in individuals affected with KCNJ10-related conditions. This variant is not present in population databases (gnomAD no frequency). This sequence change replaces proline, which is neutral and non-polar, with arginine, which is basic and polar, at codon 102 of the KCNJ10 protein (p.Pro102Arg).

NM_002241.5(KCNJ10):c.305C>G (p.Pro102Arg)

Gene: KCNJ10 (potassium inwardly rectifying channel subfamily J member 10; minus strand). Cytogenetic location: 1q23.2.
Variant type: single nucleotide variant.
Coding change: c.305C>G on transcript NM_002241.5 (MANE Select); coding-DNA position 305, C replaced by G.
Protein change: p.Pro102Arg; replaces proline 102 with arginine.
Molecular consequence: missense variant.
Genome position (GRCh38, 1-based): chr1:160,042,228, G>C on the plus strand (C>G on the coding strand, the complement: KCNJ10 is on the minus strand). VCF-style: chr1-160042228-G-C. GRCh37 (hg19) VCF-style: chr1-160012018-G-C.
Other names: short protein forms P102R.
Identifiers: ClinVar variation 1354640 (VCV001354640.6), dbSNP rs372156619, ClinGen allele CA343228740.